The following is an entry in ClinVar:

NM_001206927.2(DNAH8):c.11726A>T (p.Tyr3909Phe)

Genes: DNAH8 (dynein axonemal heavy chain 8; plus strand), DNAH8-AS1 (DNAH8 antisense RNA 1; minus strand). Cytogenetic location: 6p21.2.
Variant type: single nucleotide variant.
Coding change: c.11726A>T on transcript NM_001206927.2 (MANE Select); coding-DNA position 11726, A replaced by T.
Protein change: p.Tyr3909Phe; replaces tyrosine 3909 with phenylalanine.
Molecular consequence: missense variant.
Genome position (GRCh38, 1-based): chr6:38,938,136, A>T. VCF-style: chr6-38938136-A-T. GRCh37 (hg19) VCF-style: chr6-38905912-A-T.
Other names: c.11075A>T, p.Tyr3692Phe (NM_001371.4); short protein forms Y3692F, Y3909F.
Identifiers: ClinVar variation 2061540 (VCV002061540.2), dbSNP rs373142030, ClinGen allele CA3791162.

ClinVar aggregate classification (germline): Uncertain significance (1 of 4 stars; one submission).

Conditions:
Primary ciliary dyskinesia. Also called: Ciliary dyskinesia. Identifiers: Orphanet 244, MedGen C0008780, MONDO:0016575, HP:0012265.

Allele frequency attached by ClinVar (database versions not stated): ESP Exome Variant Server 0.00015; gnomAD 0.00015; 1000 Genomes Project 0.00040; 1000 Genomes Project 30x 0.00094.
gnomAD v4.1: 42 of 1,614,054 alleles (0.0026%); highest among the groups gnomAD compares: African/African-American, 0.055%; no homozygotes.

Submission:

Labcorp Genetics (formerly Invitae), Labcorp
Classification: Uncertain significance for Primary ciliary dyskinesia. Last evaluated: 2022-03-19. Review status: criteria provided, single submitter. Criteria: Invitae Variant Classification Sherloc (09022015). Collection method: clinical testing. Allele origin: germline.
Comment: In summary, the available evidence is currently insufficient to determine the role of this variant in disease. Therefore, it has been classified as a Variant of Uncertain Significance. Algorithms developed to predict the effect of missense changes on protein structure and function are either unavailable or do not agree on the potential impact of this missense change (SIFT: "Deleterious"; PolyPhen-2: "Not Available"; Align-GVGD: "Class C15"). This variant has not been reported in the literature in individuals affected with DNAH8-related conditions. This variant is present in population databases (rs373142030, gnomAD 0.06%). This sequence change replaces tyrosine, which is neutral and polar, with phenylalanine, which is neutral and non-polar, at codon 3909 of the DNAH8 protein (p.Tyr3909Phe).